The following is an entry in ClinVar:

ClinVar aggregate classification (germline): Uncertain significance (1 of 4 stars; one submission).

Submission:

Labcorp Genetics (formerly Invitae), Labcorp
Classification: Uncertain significance. Last evaluated: 2022-08-07. Review status: criteria provided, single submitter. Criteria: Invitae Variant Classification Sherloc (09022015). Collection method: clinical testing. Allele origin: germline.
Comment: This sequence change replaces asparagine, which is neutral and polar, with threonine, which is neutral and polar, at codon 111 of the ATP8B1 protein (p.Asn111Thr). This variant is not present in population databases (gnomAD no frequency). This variant has not been reported in the literature in individuals affected with ATP8B1-related conditions. Algorithms developed to predict the effect of missense changes on protein structure and function are either unavailable or do not agree on the potential impact of this missense change (SIFT: "Deleterious"; PolyPhen-2: "Possibly Damaging"; Align-GVGD: "Class C0"). In summary, the available evidence is currently insufficient to determine the role of this variant in disease. Therefore, it has been classified as a Variant of Uncertain Significance.

NM_001374385.1(ATP8B1):c.332A>C (p.Asn111Thr)

Gene: ATP8B1 (ATPase phospholipid transporting 8B1; minus strand). Cytogenetic location: 18q21.31.
Variant type: single nucleotide variant.
Coding change: c.332A>C on transcript NM_001374385.1 (MANE Select); coding-DNA position 332, A replaced by C.
Protein change: p.Asn111Thr; replaces asparagine 111 with threonine.
Molecular consequence: missense variant.
Genome position (GRCh38, 1-based): chr18:57,704,616, T>G on the plus strand (A>C on the coding strand, the complement: ATP8B1 is on the minus strand). VCF-style: chr18-57704616-T-G. GRCh37 (hg19) VCF-style: chr18-55371848-T-G.
Other names: c.182A>C, p.Asn61Thr (NM_001374386.1); c.332A>C, p.Asn111Thr (NM_005603.6); short protein forms N111T, N61T.
Identifiers: ClinVar variation 2022468 (VCV002022468.4), dbSNP rs2511801242, ClinGen allele CA402549522.